The following is an entry in ClinVar:

NC_000023.10:g.(?_32472759)_(32584018_?)dup

Gene: DMD (dystrophin; minus strand). Cytogenetic location: Xp21.1.
Variant type: Duplication.
Identifiers: ClinVar variation 2424955 (VCV002424955.5).

ClinVar aggregate classification (germline): Uncertain significance (1 of 4 stars; one submission).

Conditions:
Duchenne muscular dystrophy (DMD). Also called: Duchenne Muscular Dystrophy (DMD); MUSCULAR DYSTROPHY, PSEUDOHYPERTROPHIC PROGRESSIVE, DUCHENNE TYPE. Identifiers: Orphanet 98896, MedGen C0013264, MONDO:0010679, OMIM 310200.

Submission:

Labcorp Genetics (formerly Invitae), Labcorp
Classification: Uncertain significance for Duchenne muscular dystrophy. Last evaluated: 2022-07-19. Review status: criteria provided, single submitter. Criteria: Invitae Variant Classification Sherloc (09022015). Collection method: clinical testing. Allele origin: germline.
Comment: In summary, the available evidence is currently insufficient to determine the role of this variant in disease. Therefore, it has been classified as a Variant of Uncertain Significance. This variant has not been reported in the literature in individuals affected with DMD-related conditions. This variant results in a copy number gain of the genomic region encompassing exon(s) 16-26 of the DMD gene. While the exact position of this variant cannot be determined from the data, sub-genic copy number gains are generally in tandem (PMID: 25640679). This variant is predicted to be in-frame, and likely preserves the integrity of the reading frame.

Literature cited by the submitters: PubMed 25640679.